The following is an entry in ClinVar:

NM_006279.5(ST3GAL3):c.410A>G (p.Lys137Arg)

Gene: ST3GAL3 (ST3 beta-galactoside alpha-2,3-sialyltransferase 3; plus strand). Cytogenetic location: 1p34.1.
Variant type: single nucleotide variant.
Coding change: c.410A>G on transcript NM_006279.5 (MANE Select); coding-DNA position 410, A replaced by G.
Protein change: p.Lys137Arg; replaces lysine 137 with arginine.
Molecular consequence: missense variant. On other transcripts: non-coding transcript variant (7), intron variant (4).
Genome position (GRCh38, 1-based): chr1:43,898,247, A>G. VCF-style: chr1-43898247-A-G. GRCh37 (hg19) VCF-style: chr1-44363919-A-G.
Other names: c.410A>G, p.Lys137Arg (NM_001270459.2, NM_001350620.2, NM_174966.4); c.317A>G, p.Lys106Arg (NM_001270460.2); c.362A>G, p.Lys121Arg (NM_001270461.3, NM_001270464.3, NM_174969.4); c.269A>G, p.Lys90Arg (NM_001270462.3); c.407A>G, p.Lys136Arg (NM_001270463.3, NM_001270465.3); c.455A>G, p.Lys152Arg (NM_001350619.2, NM_174964.4); c.131A>G, p.Lys44Arg (NM_001350621.2); c.572A>G, p.Lys191Arg (NM_001363573.2, NM_174968.5); and 6 more; short protein forms K137R, K175R, K206R, K44R, K136R, K90R, K106R, K121R.
Identifiers: ClinVar variation 1346495 (VCV001346495.9), dbSNP rs1485860306, ClinGen allele CA340269793.

ClinVar aggregate classification (germline): Uncertain significance (1 of 4 stars; one submission).

Conditions:
Early-infantile DEE. Also called: Early infantile epileptic encephalopathy; Ohtahara syndrome; Early infantile epileptic encephalopathy with suppression bursts. Identifiers: Orphanet 1934, MedGen C0393706, MONDO:0800491.

Allele frequency attached by ClinVar (database versions not stated): TOPMed below 0.00001; gnomAD 0.00001.
gnomAD v4.1: 1 of 1,613,808 alleles (0.000062%); highest among the groups gnomAD compares: Non-Finnish European, 0.000085%; no homozygotes.

Submission:

Labcorp Genetics (formerly Invitae), Labcorp
Classification: Uncertain significance for Early-infantile DEE. Last evaluated: 2021-03-08. Review status: criteria provided, single submitter. Criteria: Invitae Variant Classification Sherloc (09022015). Collection method: clinical testing. Allele origin: germline.
Comment: Algorithms developed to predict the effect of missense changes on protein structure and function (SIFT, PolyPhen-2, Align-GVGD) all suggest that this variant is likely to be tolerated, but these predictions have not been confirmed by published functional studies and their clinical significance is uncertain. This sequence change replaces lysine with arginine at codon 137 of the ST3GAL3 protein (p.Lys137Arg). The lysine residue is highly conserved and there is a small physicochemical difference between lysine and arginine. This variant is not present in population databases (ExAC no frequency). This variant has not been reported in the literature in individuals with ST3GAL3-related conditions. Algorithms developed to predict the effect of sequence changes on RNA splicing suggest that this variant may create or strengthen a splice site, but this prediction has not been confirmed by published transcriptional studies. In summary, the available evidence is currently insufficient to determine the role of this variant in disease. Therefore, it has been classified as a Variant of Uncertain Significance.